The following is an entry in ClinVar:

NM_024675.4(PALB2):c.2852C>T (p.Ser951Phe)

Gene: PALB2 (partner and localizer of BRCA2; minus strand). Cytogenetic location: 16p12.2.
Variant type: single nucleotide variant.
Coding change: c.2852C>T on transcript NM_024675.4 (MANE Select); coding-DNA position 2852, C replaced by T.
Protein change: p.Ser951Phe; replaces serine 951 with phenylalanine.
Molecular consequence: missense variant.
Genome position (GRCh38, 1-based): chr16:23,623,113, G>A on the plus strand (C>T on the coding strand, the complement: PALB2 is on the minus strand). VCF-style: chr16-23623113-G-A. GRCh37 (hg19) VCF-style: chr16-23634434-G-A.
Other names: short protein forms S951F.
Identifiers: ClinVar variation 143008 (VCV000143008.21), dbSNP rs587782889, ClinGen allele CA170010.

ClinVar aggregate classification (germline): Conflicting classifications of pathogenicity. Review status: criteria provided, conflicting classifications (1 of 4 stars). 6 submissions from 6 submitters: Uncertain significance (4); Likely benign (2). Last evaluated 2025-12-16.

Conditions:
Hereditary cancer-predisposing syndrome. Also called: Hereditary Cancer Syndrome; Neoplastic Syndromes, Hereditary; Hereditary neoplastic syndrome; Tumor predisposition. Identifiers: Orphanet 140162, MedGen C0027672, MeSH D009386, MONDO:0015356.
Malignant tumor of breast. Also called: Malignant breast neoplasm; Cancer breast. Identifiers: MedGen C0006142, MONDO:0007254. Disease mechanism: loss of function.
Familial cancer of breast. Also called: BREAST CANCER, FAMILIAL; Hereditary breast cancer; hereditary breast carcinoma. Identifiers: Orphanet 227535, MedGen C0346153, MONDO:0016419, OMIM 114480. Disease mechanism: loss of function.

Allele frequency attached by ClinVar (database versions not stated): gnomAD exomes below 0.00001.

Submissions (6):

Labcorp Genetics (formerly Invitae), Labcorp
Classification: Uncertain significance for Familial cancer of breast. Last evaluated: 2025-12-16. Review status: criteria provided, single submitter. Criteria: Invitae Variant Classification Sherloc (09022015). Collection method: clinical testing. Allele origin: germline.
Comment: This sequence change replaces serine, which is neutral and polar, with phenylalanine, which is neutral and non-polar, at codon 951 of the PALB2 protein (p.Ser951Phe). This variant is not present in population databases (gnomAD no frequency). This variant has not been reported in the literature in individuals affected with PALB2-related conditions. ClinVar contains an entry for this variant (Variation ID: 143008). Invitae Evidence Modeling of protein sequence and biophysical properties (such as structural, functional, and spatial information, amino acid conservation, physicochemical variation, residue mobility, and thermodynamic stability) has been performed for this missense variant. However, the output from this modeling did not meet the statistical confidence thresholds required to predict the impact of this variant on PALB2 protein function. Experimental studies have shown that this missense change does not substantially affect PALB2 function (PMID: 31636395). In summary, the available evidence is currently insufficient to determine the role of this variant in disease. Therefore, it has been classified as a Variant of Uncertain Significance.

Quest Diagnostics Nichols Institute San Juan Capistrano
Classification: Uncertain significance. Last evaluated: 2025-02-05. Review status: criteria provided, single submitter. Criteria: Quest Diagnostics criteria. Collection method: clinical testing. Allele origin: unknown.
Comment: The PALB2 c.2852C>T (p.Ser951Phe) variant has been reported in the published literature to not disrupt PALB2 homology directed repair (HDR) (PMID: 31636395 (2020)), however further evidence is needed to assess the variant's global impact on protein function. This variant has not been reported in large, multi-ethnic general populations (Genome Aggregation Database). Analysis of this variant using bioinformatics tools for the prediction of the effect of amino acid changes on protein structure and function yielded conflicting predictions that this variant is benign or damaging. Based on the available information, we are unable to determine the clinical significance of this variant.

Myriad Genetics, Inc.
Classification: Likely benign for Familial cancer of breast. Last evaluated: 2023-09-05. Review status: criteria provided, single submitter. Criteria: Myriad Autosomal Dominant, Autosomal Recessive and X-Linked Classification Criteria (2023). Collection method: clinical testing. Allele origin: unknown.
Comment: This variant is considered likely benign. This variant is strongly associated with less severe personal and family histories of cancer, typical for individuals without pathogenic variants in this gene [PMID: 25085752].

Ambry Genetics
Classification: Likely benign for Hereditary cancer-predisposing syndrome. Last evaluated: 2020-04-08. Review status: criteria provided, single submitter. Criteria: Ambry Variant Classification Scheme 2023. Collection method: clinical testing. Allele origin: germline.

Color Diagnostics, LLC DBA Color Health
Classification: Uncertain significance for Hereditary cancer-predisposing syndrome. Last evaluated: 2019-02-21. Review status: criteria provided, single submitter. Criteria: ACMG Guidelines, 2015. Collection method: clinical testing. Allele origin: germline.

CSER _CC_NCGL, University of Washington
Classification: Uncertain significance for Breast cancer. Last evaluated: 2016-10-01. Review status: criteria provided, single submitter. Criteria: Amendola et al. (Genome Res. 2015). Collection method: research. Allele origin: germline. Affected: no. Study: CSER - NEXT Medicine variant annotation.
Comment: This interpretation considers GERP score and allele frequency data, in addition to published reports of the variant in the literature, available at the time of review.

Literature cited by the submitters: PubMed 31636395 (cited by 3 submitters); PubMed 25085752 (cited by Myriad Genetics, Inc.).